The following is an entry in ClinVar:

ClinVar aggregate classification (germline): Uncertain significance (1 of 4 stars; one submission).

Submission:

Women's Health and Genetics/Laboratory Corporation of America, LabCorp
Classification: Uncertain significance. Last evaluated: 2025-02-03. Review status: criteria provided, single submitter. Criteria: LabCorp Variant Classification Summary - May 2015. Collection method: clinical testing. Allele origin: germline.
Comment: Variant summary: MPZ c.254G>T (p.Gly85Val) results in a non-conservative amino acid change located in the Ig-like domain (IPR007110) of the encoded protein sequence. Five of five in-silico tools predict a damaging effect of the variant on protein function. The variant was absent in 251480 control chromosomes. The available data on variant occurrences in the general population are insufficient to allow any conclusion about variant significance. To our knowledge, no occurrence of c.254G>T in individuals affected with Charcot-Marie-Tooth disease type 1B and no experimental evidence demonstrating its impact on protein function have been reported. No submitters have cited clinical-significance assessments for this variant to ClinVar. Based on the evidence outlined above, the variant was classified as uncertain significance.

NM_000530.8(MPZ):c.254G>T (p.Gly85Val)

Gene: MPZ (myelin protein zero; minus strand). Cytogenetic location: 1q23.3.
Variant type: single nucleotide variant.
Coding change: c.254G>T on transcript NM_000530.8 (MANE Select); coding-DNA position 254, G replaced by T.
Protein change: p.Gly85Val; replaces glycine 85 with valine.
Molecular consequence: missense variant.
Genome position (GRCh38, 1-based): chr1:161,306,902, C>A on the plus strand (G>T on the coding strand, the complement: MPZ is on the minus strand). VCF-style: chr1-161306902-C-A. GRCh37 (hg19) VCF-style: chr1-161276692-C-A.
Other names: c.254G>T, p.Gly85Val (NM_001315491.2); short protein forms G85V.
Identifiers: ClinVar variation 3768792 (VCV003768792.1).